The following is an entry in ClinVar:

NM_006859.4(LIAS):c.329G>A (p.Arg110Gln)

Gene: LIAS (lipoic acid synthetase; plus strand). Cytogenetic location: 4p14.
Variant type: single nucleotide variant.
Coding change: c.329G>A on transcript NM_006859.4 (MANE Select); coding-DNA position 329, G replaced by A.
Protein change: p.Arg110Gln; replaces arginine 110 with glutamine.
Molecular consequence: missense variant.
Genome position (GRCh38, 1-based): chr4:39,463,541, G>A. VCF-style: chr4-39463541-G-A. GRCh37 (hg19) VCF-style: chr4-39465161-G-A.
Other names: c.329G>A, p.Arg110Gln (NM_001278590.2, NM_001278591.2, NM_194451.3); c.235G>A, p.Asp79Asn (NM_001278592.2, NM_001363700.2); short protein forms D79N, R110Q.
Identifiers: ClinVar variation 836400 (VCV000836400.7), dbSNP rs773238728, ClinGen allele CA2894644.

ClinVar aggregate classification (germline): Uncertain significance (1 of 4 stars; one submission).

Conditions:
Lipoic acid synthetase deficiency. Also called: HYPERGLYCINEMIA, LACTIC ACIDOSIS, AND SEIZURES. Identifiers: Orphanet 401859, MedGen C3280887, MONDO:0013762, OMIM 614462.

Allele frequency attached by ClinVar (database versions not stated): ExAC 0.00001; gnomAD 0.00001; gnomAD exomes 0.00002; TOPMed 0.00002.
gnomAD v4.1: 49 of 1,608,270 alleles (0.003%); highest among the groups gnomAD compares: Non-Finnish European, 0.004%; no homozygotes.

Submission:

Labcorp Genetics (formerly Invitae), Labcorp
Classification: Uncertain significance for Lipoic acid synthetase deficiency. Last evaluated: 2019-12-11. Review status: criteria provided, single submitter. Criteria: Invitae Variant Classification Sherloc (09022015). Collection method: clinical testing. Allele origin: germline.
Comment: Algorithms developed to predict the effect of missense changes on protein structure and function (SIFT, PolyPhen-2, Align-GVGD) all suggest that this variant is likely to be disruptive, but these predictions have not been confirmed by published functional studies and their clinical significance is uncertain. In summary, the available evidence is currently insufficient to determine the role of this variant in disease. Therefore, it has been classified as a Variant of Uncertain Significance. This variant has not been reported in the literature in individuals with LIAS-related conditions. This variant is present in population databases (rs773238728, ExAC 0.01%). This sequence change replaces arginine with glutamine at codon 110 of the LIAS protein (p.Arg110Gln). The arginine residue is highly conserved and there is a small physicochemical difference between arginine and glutamine.